The following is an entry in ClinVar:

NM_005477.3(HCN4):c.1733G>A (p.Arg578Gln)

Gene: HCN4 (hyperpolarization activated cyclic nucleotide gated potassium channel 4; minus strand). Cytogenetic location: 15q24.1.
Variant type: single nucleotide variant.
Coding change: c.1733G>A on transcript NM_005477.3 (MANE Select); coding-DNA position 1733, G replaced by A.
Protein change: p.Arg578Gln; replaces arginine 578 with glutamine.
Molecular consequence: missense variant.
Genome position (GRCh38, 1-based): chr15:73,325,302, C>T on the plus strand (G>A on the coding strand, the complement: HCN4 is on the minus strand). VCF-style: chr15-73325302-C-T. GRCh37 (hg19) VCF-style: chr15-73617643-C-T.
Other names: short protein forms R578Q.
Identifiers: ClinVar variation 1779031 (VCV001779031.8), dbSNP rs765250418, ClinGen allele CA393091256.

ClinVar aggregate classification (germline): Uncertain significance. Review status: criteria provided, multiple submitters, no conflicts (2 of 4 stars). 2 submissions from 2 submitters: Uncertain significance (2). Last evaluated 2025-11-24.

Conditions:
Cardiovascular phenotype. Identifiers: MedGen CN230736.
Brugada syndrome 8 (BRGDA8). Identifiers: Orphanet 130, MedGen C2751083, MONDO:0013148, OMIM 613123.

Allele frequency attached by ClinVar (database versions not stated): gnomAD exomes below 0.00001; TOPMed below 0.00001; gnomAD 0.00001.
gnomAD v4.1: 7 of 1,613,568 alleles (0.00043%); highest among the groups gnomAD compares: East Asian, 0.0022%; no homozygotes.

Submissions (2):

Labcorp Genetics (formerly Invitae), Labcorp
Classification: Uncertain significance for Brugada syndrome 8. Last evaluated: 2025-11-24. Review status: criteria provided, single submitter. Criteria: Invitae Variant Classification Sherloc (09022015). Collection method: clinical testing. Allele origin: germline.
Comment: This sequence change replaces arginine, which is basic and polar, with glutamine, which is neutral and polar, at codon 578 of the HCN4 protein (p.Arg578Gln). This variant is present in population databases (no rsID available, gnomAD 0.006%). This variant has not been reported in the literature in individuals affected with HCN4-related conditions. ClinVar contains an entry for this variant (Variation ID: 1779031). Invitae Evidence Modeling of protein sequence and biophysical properties (such as structural, functional, and spatial information, amino acid conservation, physicochemical variation, residue mobility, and thermodynamic stability) has been performed for this missense variant. However, the output from this modeling did not meet the statistical confidence thresholds required to predict the impact of this variant on HCN4 protein function. In summary, the available evidence is currently insufficient to determine the role of this variant in disease. Therefore, it has been classified as a Variant of Uncertain Significance.

Ambry Genetics
Classification: Uncertain significance for Cardiovascular phenotype. Last evaluated: 2024-12-23. Review status: criteria provided, single submitter. Criteria: Ambry Variant Classification Scheme 2023. Collection method: clinical testing. Allele origin: germline.
Comment: The p.R578Q variant (also known as c.1733G>A), located in coding exon 5 of the HCN4 gene, results from a G to A substitution at nucleotide position 1733. The arginine at codon 578 is replaced by glutamine, an amino acid with some highly similar properties. This amino acid position is highly conserved in available vertebrate species. In addition, this alteration is predicted to be deleterious by in silico analysis. Since supporting evidence is limited at this time, the clinical significance of this alteration remains unclear.